The following is an entry in ClinVar:

ClinVar aggregate classification (germline): Likely benign. Review status: criteria provided, multiple submitters, no conflicts (2 of 4 stars). 4 submissions from 4 submitters: Likely benign (2). 2 of the submissions do not count toward it. Last evaluated 2026-01-23.

Conditions:
ELF4-related disorder. Also called: ELF4-related condition.

Allele frequency attached by ClinVar (database versions not stated): ExAC 0.00014; gnomAD 0.00017; gnomAD exomes 0.00017; TOPMed 0.00019; ESP Exome Variant Server 0.00028.
gnomAD v4.1: 567 of 1,209,878 alleles (0.047%); highest among the groups gnomAD compares: Non-Finnish European, 0.06%; no homozygotes.

Submissions (4):

Women's Health and Genetics/Laboratory Corporation of America, LabCorp
Classification: Likely benign. Last evaluated: 2026-01-23. Review status: criteria provided, single submitter. Criteria: LabCorp Variant Classification Summary - May 2015. Collection method: clinical testing. Allele origin: germline.

PreventionGenetics, part of Exact Sciences
Classification: Likely benign for ELF4-related condition. Last evaluated: 2025-12-29. Review status: criteria provided, single submitter. Criteria: ACMG Guidelines, 2015. Collection method: clinical testing. Allele origin: germline.
Comment: This variant is classified as likely benign based on ACMG/AMP sequence variant interpretation guidelines (Richards et al. 2015 PMID: 25741868, with internal and published modifications).

Clinical Genetics DNA and cytogenetics Diagnostics Lab, Erasmus MC, Erasmus Medical Center
Classification: Likely benign. Review status: no assertion criteria provided. Collection method: clinical testing. Allele origin: germline. Affected: yes. Study: VKGL Data-share Consensus. Not counted in ClinVar's aggregate classification.

Laboratory of Diagnostic Genome Analysis, Leiden University Medical Center (LUMC)
Classification: Likely benign. Review status: no assertion criteria provided. Collection method: clinical testing. Allele origin: germline. Affected: yes. Study: VKGL Data-share Consensus. Not counted in ClinVar's aggregate classification.

NM_001421.4(ELF4):c.810-4C>G

Gene: ELF4 (E74 like ETS transcription factor 4; minus strand). Cytogenetic location: Xq26.1.
Variant type: single nucleotide variant.
Coding change: c.810-4C>G on transcript NM_001421.4 (MANE Select); 4 bases into the intron before coding-DNA position 810, C replaced by G.
Molecular consequence: intron variant.
Genome position (GRCh38, 1-based): chrX:130,069,681, G>C on the plus strand (C>G on the coding strand, the complement: ELF4 is on the minus strand). VCF-style: chrX-130069681-G-C. GRCh37 (hg19) VCF-style: chrX-129203656-G-C.
Other names: c.810-4C>G (NM_001421.3, NM_001127197.2).
Identifiers: ClinVar variation 1206203 (VCV001206203.4), dbSNP rs201532114, ClinGen allele CA10515028.
Genomic context (GRCh38, chrX:130,069,681, plus strand): 5'-TGGTACACCAGCCTCTGCCCTTCCACTTTGGCCAGTATGCCTCTTTGGTAGTAGTATCTA[G>C]AGGAAGAGGGGCAGGGAGTTGGGAGTTAGCCGGGAGCTGGGTGGGAGACCTTCTACCTCC-3'